The following is an entry in ClinVar:

NM_020366.4(RPGRIP1):c.2599C>T (p.Arg867Trp)

Gene: RPGRIP1 (RPGR interacting protein 1; plus strand). Cytogenetic location: 14q11.2.
Variant type: single nucleotide variant.
Coding change: c.2599C>T on transcript NM_020366.4 (MANE Select); coding-DNA position 2599, C replaced by T.
Protein change: p.Arg867Trp; replaces arginine 867 with tryptophan.
Molecular consequence: missense variant. On other transcripts: intron variant (4).
Genome position (GRCh38, 1-based): chr14:21,326,062, C>T. VCF-style: chr14-21326062-C-T. GRCh37 (hg19) VCF-style: chr14-21794221-C-T.
Other names: c.1525C>T, p.Arg509Trp (NM_001377948.1); c.796+1337C>T (NM_001377949.1); c.689-1561C>T (NM_001377523.1, NM_001377950.1); c.191-1561C>T (NM_001377951.1); short protein forms R867W, R509W.
Identifiers: ClinVar variation 167605 (VCV000167605.18), dbSNP rs186803989, ClinGen allele CA234805.

ClinVar aggregate classification (germline): Likely benign. Review status: criteria provided, multiple submitters, no conflicts (2 of 4 stars). 4 submissions from 4 submitters: Likely benign (4). Last evaluated 2026-01-20.

Conditions:
RPGRIP1-related disorder. Also called: RPGRIP1-related condition.
Cone-rod dystrophy 13 (CORD13). Identifiers: Orphanet 1872, MedGen C2750720, MONDO:0011987, OMIM 608194.
Leber congenital amaurosis 6 (LCA6). Identifiers: Orphanet 65, MedGen C1854260, MONDO:0013446, OMIM 613826.

Allele frequency attached by ClinVar (database versions not stated): gnomAD exomes 0.00049 and 0.00021; gnomAD 0.00181 and 0.00172; 1000 Genomes Project 0.00260; 1000 Genomes Project 30x 0.00297; ESP Exome Variant Server 0.00189; TOPMed 0.00207; ExAC 0.00065.
gnomAD v4.1: 578 of 1,613,898 alleles (0.036%); highest among the groups gnomAD compares: African/African-American, 0.59%; 7 homozygotes.

Submissions (4):

Labcorp Genetics (formerly Invitae), Labcorp
Classification: Likely benign for Leber congenital amaurosis 6; Cone-rod dystrophy 13. Last evaluated: 2026-01-20. Review status: criteria provided, single submitter. Criteria: Invitae Variant Classification Sherloc (09022015). Collection method: clinical testing. Allele origin: germline.

Blueprint Genetics
Classification: Likely benign. Last evaluated: 2024-11-21. Review status: criteria provided, single submitter. Criteria: ACMG Guidelines, 2015. Collection method: clinical testing. Allele origin: germline.

PreventionGenetics, part of Exact Sciences
Classification: Likely benign for RPGRIP1-related condition. Last evaluated: 2024-10-28. Review status: criteria provided, single submitter. Criteria: ACMG Guidelines, 2015. Collection method: clinical testing. Allele origin: germline.
Comment: This variant is classified as likely benign based on ACMG/AMP sequence variant interpretation guidelines (Richards et al. 2015 PMID: 25741868, with internal and published modifications).

Eurofins Ntd Llc (ga)
Classification: Likely benign. Last evaluated: 2014-04-17. Review status: criteria provided, single submitter. Criteria: EGL Classification Definitions 2015. Collection method: clinical testing. Allele origin: germline. Observed: 2 variant alleles, 2 heterozygotes.